The following is an entry in ClinVar:

NM_007294.4(BRCA1):c.1905_1909del (p.Asn635_Cys636insTer)

Gene: BRCA1 (BRCA1 DNA repair associated; minus strand). Cytogenetic location: 17q21.31.
Variant type: Deletion.
Coding change: c.1905_1909del on transcript NM_007294.4 (MANE Select); coding-DNA positions 1905 to 1909, 5 bases deleted (TTGTA; older notation c.1905_1909delTTGTA).
Protein change: p.Asn635_Cys636insTer.
Molecular consequence: frameshift variant. On other transcripts: intron variant (137), nonsense (1).
Genome position (GRCh38, 1-based): chr17:43,093,622-43,093,626, TACAA deleted on the plus strand (TTGTA on the coding strand, the reverse complement: BRCA1 is on the minus strand); deleting any 5 consecutive bases within chr17:43,093,622-43,093,627 gives the same sequence; the c. name uses the placement nearest the transcript's 3' end. VCF-style (leftmost placement, unchanged base first): chr17-43093621-GTACAA-G. GRCh37 (hg19) VCF-style: chr17-41245638-GTACAA-G.
Other names: 2024del5; c.577+1118_577+1122del (NM_001408481.1, NM_001408480.1, NM_001408492.1 and 9 more transcripts); c.778+1118_778+1122del (NM_001408408.1); c.661+1118_661+1122del (NM_001408446.1, NM_001408435.1, NM_001408448.1 and 6 more transcripts); c.784+1118_784+1122del (NM_001408401.1, NM_001408396.1, NM_001407985.1 and 13 more transcripts); c.548-2594_548-2590del (NM_001408494.1); c.664+1118_664+1122del (NM_001408444.1, NM_001408438.1, NM_001408430.1 and 12 more transcripts); c.670+2220_670+2224del (NM_001408423.1, NM_001408420.1, NM_001408419.1 and 2 more transcripts); and 42 more.
Identifiers: ClinVar variation 266199 (VCV000266199.6), dbSNP rs886039979, ClinGen allele CA10589911.
Genomic context (GRCh38, chr17:43,093,621, plus strand): 5'-TGGTTGTACTTTTTTTTCTTTATCTCTTCACTGCTAGAACAACTATCAATTTGCAATTCA[GTACAA>G]TTAGGTGGGCTTAGATTTCTACTGACTACTAGTTCAAGCGCATGAATATGCCTGGTAGAA-3'

ClinVar aggregate classification (germline): Pathogenic. Review status: reviewed by expert panel (3 of 4 stars). 2 submissions from 2 submitters: Pathogenic (1). 1 of the submissions does not count toward it. Last evaluated 2016-10-18.

Conditions:
Breast-ovarian cancer, familial, susceptibility to, 1 (BROVCA1). Also called: BRCA1 Hereditary Breast and Ovarian Cancer; OVARIAN CANCER, SUSCEPTIBILITY TO. Identifiers: Orphanet 145, MedGen C2676676, MONDO:0011450, OMIM 604370. Disease mechanism: loss of function.

Submissions (2):

Evidence-based Network for the Interpretation of Germline Mutant Alleles (ENIGMA)
Classification: Pathogenic for Breast-ovarian cancer, familial, susceptibility to, 1. Last evaluated: 2016-10-18. Review status: reviewed by expert panel. Criteria: ENIGMA BRCA1/2 Classification Criteria (2015). Collection method: curation. Allele origin: germline.
Comment: Variant allele predicted to encode a truncated non-functional protein.

Consortium of Investigators of Modifiers of BRCA1/2 (CIMBA), c/o University of Cambridge
Classification: Pathogenic for Breast-ovarian cancer, familial, susceptibility to, 1. Last evaluated: 2015-10-02. Review status: criteria provided, single submitter. Criteria: CIMBA Mutation Classification guidelines May 2016. Collection method: clinical testing. Allele origin: germline. Not counted in ClinVar's aggregate classification.